The following is an entry in ClinVar:

ClinVar aggregate classification (germline): Benign. Review status: criteria provided, single submitter (1 of 4 stars). 2 submissions from 2 submitters: Benign (1). 1 of the submissions does not count toward it. Last evaluated 2026-01-21.

Conditions:
HIVEP2-related disorder. Also called: HIVEP2-related condition.

Allele frequency attached by ClinVar (database versions not stated): ESP Exome Variant Server 0.00597; TOPMed 0.00796; 1000 Genomes Project 0.00998; 1000 Genomes Project 30x 0.01015.
gnomAD v4.1: 2,539 of 1,613,522 alleles (0.16%); highest among the groups gnomAD compares: African/African-American, 2.6%; 30 homozygotes.

Submissions (2):

Labcorp Genetics (formerly Invitae), Labcorp
Classification: Benign. Last evaluated: 2026-01-21. Review status: criteria provided, single submitter. Criteria: Invitae Variant Classification Sherloc (09022015). Collection method: clinical testing. Allele origin: germline.

PreventionGenetics, part of Exact Sciences
Classification: Benign for HIVEP2-related condition. Last evaluated: 2022-07-27. Review status: no assertion criteria provided. Collection method: clinical testing. Allele origin: germline. Not counted in ClinVar's aggregate classification.
Comment: This variant is classified as benign based on ACMG/AMP sequence variant interpretation guidelines (Richards et al. 2015 PMID: 25741868, with internal and published modifications).

NM_006734.4(HIVEP2):c.3444G>C (p.Ser1148=)

Gene: HIVEP2 (HIVEP zinc finger 2; minus strand). Cytogenetic location: 6q24.2.
Variant type: single nucleotide variant.
Coding change: c.3444G>C on transcript NM_006734.4 (MANE Select); coding-DNA position 3444, G replaced by C.
Protein change: p.Ser1148=; no amino-acid change (serine 1148 retained).
Molecular consequence: synonymous variant.
Genome position (GRCh38, 1-based): chr6:142,771,295, C>G on the plus strand (G>C on the coding strand, the complement: HIVEP2 is on the minus strand). VCF-style: chr6-142771295-C-G. GRCh37 (hg19) VCF-style: chr6-143092432-C-G.
Identifiers: ClinVar variation 785192 (VCV000785192.11), dbSNP rs34360302, ClinGen allele CA4028245.